The following is an entry in ClinVar:

NM_006440.5(TXNRD2):c.934G>A (p.Val312Ile)

Gene: TXNRD2 (thioredoxin reductase 2; minus strand). Cytogenetic location: 22q11.21.
Variant type: single nucleotide variant.
Coding change: c.934G>A on transcript NM_006440.5 (MANE Select); coding-DNA position 934, G replaced by A.
Protein change: p.Val312Ile; replaces valine 312 with isoleucine.
Molecular consequence: missense variant. On other transcripts: non-coding transcript variant (1).
Genome position (GRCh38, 1-based): chr22:19,895,422, C>T on the plus strand (G>A on the coding strand, the complement: TXNRD2 is on the minus strand). VCF-style: chr22-19895422-C-T. GRCh37 (hg19) VCF-style: chr22-19882945-C-T.
Other names: c.934G>A, p.Val312Ile (NM_001282512.3); c.931G>A, p.Val311Ile (NM_001352300.2); c.844G>A, p.Val282Ile (NM_001352301.2); c.646G>A, p.Val216Ile (NM_001352302.2); c.838G>A, p.Val280Ile (NM_001352303.2); short protein forms V216I, V282I, V311I, V280I, V312I.
Identifiers: ClinVar variation 2138472 (VCV002138472.5), dbSNP rs577533142, ClinGen allele CA10103942.

ClinVar aggregate classification (germline): Uncertain significance. Review status: criteria provided, multiple submitters, no conflicts (2 of 4 stars). 2 submissions from 2 submitters: Uncertain significance (2). Last evaluated 2025-04-01.

Conditions:
Primary dilated cardiomyopathy (DCM). Also called: Dilated Cardiomyopathy. Identifiers: Orphanet 217604, MedGen C0007193, MeSH D002311, MONDO:0005021, HP:0001644. Inheritance: Various modes of inheritance.
Cardiovascular phenotype. Identifiers: MedGen CN230736.

Allele frequency attached by ClinVar (database versions not stated): ExAC 0.00001; gnomAD exomes 0.00001; gnomAD 0.00002; TOPMed 0.00002; 1000 Genomes Project 30x 0.00016; 1000 Genomes Project 0.00020.
gnomAD v4.1: 16 of 1,613,948 alleles (0.00099%); highest among the groups gnomAD compares: Admixed American, 0.0083%; no homozygotes.

Submissions (2):

Labcorp Genetics (formerly Invitae), Labcorp
Classification: Uncertain significance for Primary dilated cardiomyopathy. Last evaluated: 2025-04-01. Review status: criteria provided, single submitter. Criteria: Invitae Variant Classification Sherloc (09022015). Collection method: clinical testing. Allele origin: germline.
Comment: This sequence change replaces valine, which is neutral and non-polar, with isoleucine, which is neutral and non-polar, at codon 312 of the TXNRD2 protein (p.Val312Ile). This variant is present in population databases (rs577533142, gnomAD 0.006%). This variant has not been reported in the literature in individuals affected with TXNRD2-related conditions. ClinVar contains an entry for this variant (Variation ID: 2138472). Invitae Evidence Modeling of protein sequence and biophysical properties (such as structural, functional, and spatial information, amino acid conservation, physicochemical variation, residue mobility, and thermodynamic stability) indicates that this missense variant is not expected to disrupt TXNRD2 protein function with a negative predictive value of 80%. In summary, the available evidence is currently insufficient to determine the role of this variant in disease. Therefore, it has been classified as a Variant of Uncertain Significance.

Ambry Genetics
Classification: Uncertain significance for Cardiovascular phenotype. Last evaluated: 2024-11-13. Review status: criteria provided, single submitter. Criteria: Ambry Variant Classification Scheme 2023. Collection method: clinical testing. Allele origin: germline.
Comment: The p.V312I variant (also known as c.934G>A), located in coding exon 11 of the TXNRD2 gene, results from a G to A substitution at nucleotide position 934. The valine at codon 312 is replaced by isoleucine, an amino acid with highly similar properties. This amino acid position is well conserved in available vertebrate species. In addition, this alteration is predicted to be tolerated by in silico analysis. The evidence for this gene-disease relationship is limited; therefore, the clinical significance of this alteration is unclear.